The following is an entry in ClinVar:

ClinVar aggregate classification (germline): Uncertain significance (1 of 4 stars; one submission).

Conditions:
Hereditary cancer-predisposing syndrome. Also called: Neoplastic Syndromes, Hereditary; Tumor predisposition; Hereditary Cancer Syndrome; Hereditary neoplastic syndrome. Identifiers: Orphanet 140162, MedGen C0027672, MeSH D009386, MONDO:0015356.

Submission:

Ambry Genetics
Classification: Uncertain significance for Hereditary cancer-predisposing syndrome. Last evaluated: 2015-08-17. Review status: criteria provided, single submitter. Criteria: Ambry Variant Classification Scheme 2023. Collection method: clinical testing. Allele origin: germline.
Comment: The p.R87G variant (also known as c.259C>G), located in coding exon 3 of the MRE11A gene, results from a C to G substitution at nucleotide position 259. The arginine at codon 87 is replaced by glycine, an amino acid with dissimilar properties. This variant was not reported in population based cohorts in the following databases: Database of Single Nucleotide Polymorphisms (dbSNP), NHLBI Exome Sequencing Project (ESP), and 1000 Genomes Project. In the ESP, this variant was not observed in 6499 samples (12998 alleles) with coverage at this position. To date, this alteration has been detected with an allele frequency of approximately 0.002% (greater than 65000 alleles tested) in our clinical cohort. This amino acid position is well conserved in available vertebrate species. In addition, the in silico prediction for this alteration is inconclusive. Since supporting evidence is limited at this time, the clinical significance of p.R87G remains unclear.

NM_005591.4(MRE11):c.259C>G (p.Arg87Gly)

Gene: MRE11 (MRE11 double strand break repair nuclease; minus strand). Cytogenetic location: 11q21.
Variant type: single nucleotide variant.
Coding change: c.259C>G on transcript NM_005591.4 (MANE Select); coding-DNA position 259, C replaced by G.
Protein change: p.Arg87Gly; replaces arginine 87 with glycine.
Molecular consequence: missense variant.
Genome position (GRCh38, 1-based): chr11:94,485,979, G>C on the plus strand (C>G on the coding strand, the complement: MRE11 is on the minus strand). VCF-style: chr11-94485979-G-C. GRCh37 (hg19) VCF-style: chr11-94219145-G-C.
Other names: c.259C>G, p.Arg87Gly (NM_001330347.2, NM_005590.4); short protein forms R87G.
Identifiers: ClinVar variation 233426 (VCV000233426.5), dbSNP rs758112386, ClinGen allele CA10579418.
Genomic context (GRCh38, chr11:94,485,979, plus strand): 5'-CTTACTTACTAAAACCAAAGTTGACTGACTGATCACTGAGAATTTCAAACTGGACAGGCC[G>C]ATCACCCATACAATATTTTCTTAATAACTCGAGGCAGGTATGTAATGTTTTCCTTGAGGG-3'
Protein context (NP_005582.1, residues 77-97): ELLRKYCMGD[Arg87Gly]PVQFEILSDQ